The following is an entry in ClinVar:

ClinVar aggregate classification (germline): Conflicting classifications of pathogenicity. Review status: criteria provided, conflicting classifications (1 of 4 stars). 4 submissions from 4 submitters: Uncertain significance (1); Benign (1); Likely benign (2). Last evaluated 2025-12-06.

Conditions:
Cerebral arteriopathy, autosomal dominant, with subcortical infarcts and leukoencephalopathy, type 1 (CADASIL1). Also called: CASIL; Cerebral arteriopathy with subcortical infarcts and leukoencephalopathy 1; CADASIL 1; DEMENTIA, HEREDITARY MULTIINFARCT TYPE. Identifiers: Orphanet 136, MedGen C4551768, MONDO:0000914, OMIM 125310.

Allele frequency attached by ClinVar (database versions not stated): ExAC 0.00004; gnomAD exomes 0.00003; TOPMed 0.00005; gnomAD 0.00003.
gnomAD v4.1: 54 of 1,613,082 alleles (0.0033%); highest among the groups gnomAD compares: Non-Finnish European, 0.004%; no homozygotes.

Submissions (4):

Mayo Clinic Laboratories, Mayo Clinic
Classification: Likely benign. Last evaluated: 2025-12-06. Review status: criteria provided, single submitter. Criteria: ACMG Guidelines, 2015. Collection method: clinical testing. Allele origin: germline. Observed: 1 variant allele.
Comment: BP4, BP7

Labcorp Genetics (formerly Invitae), Labcorp
Classification: Likely benign. Last evaluated: 2022-10-04. Review status: criteria provided, single submitter. Criteria: Invitae Variant Classification Sherloc (09022015). Collection method: clinical testing. Allele origin: germline.

Athena Diagnostics
Classification: Benign. Last evaluated: 2019-12-09. Review status: criteria provided, single submitter. Criteria: Athena Diagnostics Criteria. Collection method: clinical testing. Allele origin: unknown.

Illumina Laboratory Services, Illumina
Classification: Uncertain significance for Cerebral arteriopathy, autosomal dominant, with subcortical infarcts and leukoencephalopathy, type 1. Last evaluated: 2018-01-13. Review status: criteria provided, single submitter. Criteria: ICSL Variant Classification Criteria 13 December 2019. Collection method: clinical testing. Allele origin: germline.

NM_000435.3(NOTCH3):c.5646C>T (p.Ala1882=)

Gene: NOTCH3 (notch receptor 3; minus strand). Cytogenetic location: 19p13.12.
Variant type: single nucleotide variant.
Coding change: c.5646C>T on transcript NM_000435.3 (MANE Select); coding-DNA position 5646, C replaced by T.
Protein change: p.Ala1882=; no amino-acid change (alanine 1882 retained).
Molecular consequence: synonymous variant.
Genome position (GRCh38, 1-based): chr19:15,165,808, G>A on the plus strand (C>T on the coding strand, the complement: NOTCH3 is on the minus strand). VCF-style: chr19-15165808-G-A. GRCh37 (hg19) VCF-style: chr19-15276619-G-A.
Other names: p.Ala1882=.
Identifiers: ClinVar variation 889553 (VCV000889553.10), dbSNP rs758307531, ClinGen allele CA9262581.